The following is an entry in ClinVar:

ClinVar aggregate classification (germline): Pathogenic. Review status: criteria provided, multiple submitters, no conflicts (2 of 4 stars). 2 submissions from 2 submitters: Pathogenic (2). Last evaluated 2022-09-06.

Conditions:
Primary ciliary dyskinesia. Also called: Ciliary dyskinesia. Identifiers: Orphanet 244, MedGen C0008780, MONDO:0016575, HP:0012265.

Allele frequency attached by ClinVar (database versions not stated): gnomAD exomes below 0.00001.

Submissions (2):

Labcorp Genetics (formerly Invitae), Labcorp
Classification: Pathogenic for Primary ciliary dyskinesia. Last evaluated: 2022-09-06. Review status: criteria provided, single submitter. Criteria: Invitae Variant Classification Sherloc (09022015). Collection method: clinical testing. Allele origin: germline.
Comment: For these reasons, this variant has been classified as Pathogenic. This variant has not been reported in the literature in individuals affected with DNAH11-related conditions. This variant is present in population databases (no rsID available, gnomAD 0.003%). This sequence change creates a premature translational stop signal (p.Cys978Metfs*3) in the DNAH11 gene. It is expected to result in an absent or disrupted protein product. Loss-of-function variants in DNAH11 are known to be pathogenic (PMID: 18022865, 20513915, 22184204).

Ambry Genetics
Classification: Pathogenic for Primary ciliary dyskinesia. Last evaluated: 2015-08-10. Review status: criteria provided, single submitter. Criteria: Ambry Variant Classification Scheme 2023. Collection method: clinical testing. Allele origin: germline.
Comment: The c.2931dupA pathogenic mutation, located in coding exon 15 of the DNAH11 gene, results from a duplication of A at nucleotide position 2931, causing a translational frameshift with a predicted alternate stop codon. Since frameshifts are typically deleterious in nature, this alteration is interpreted as a disease-causing mutation (ACMG Recommendations for Standards for Interpretation and Reporting of Sequence Variations. Revision 2007. Genet Med. 2008;10:294).

Literature cited by the submitters: PubMed 18022865 (cited by Labcorp Genetics (formerly Invitae), Labcorp); PubMed 20513915 (cited by Labcorp Genetics (formerly Invitae), Labcorp); PubMed 22184204 (cited by Labcorp Genetics (formerly Invitae), Labcorp).

NM_001277115.2(DNAH11):c.2931dup (p.Cys978fs)

Genes: DNAH11 (dynein axonemal heavy chain 11; plus strand), LOC126859961 (BRD4-independent group 4 enhancer GRCh37_chr7:21639662-21640861; plus strand). Cytogenetic location: 7p15.3.
Variant type: Duplication.
Coding change: c.2931dup on transcript NM_001277115.2 (MANE Select); coding-DNA position 2931, one base duplicated (A; older notation c.2931dupA).
Protein change: p.Cys978fs; shifts the reading frame from cysteine 978.
Molecular consequence: frameshift variant.
Genome position (GRCh38, 1-based): chr7:21,600,050, A duplicated. VCF-style (leftmost placement, unchanged base first): chr7-21600049-T-TA. GRCh37 (hg19) VCF-style: chr7-21639667-T-TA.
Other names: c.2931dup, p.Cys978Metfs (NM_003777.3); short protein forms C978fs.
Identifiers: ClinVar variation 1797825 (VCV001797825.7), dbSNP rs1446965214, ClinGen allele CA572915922.